The following is an entry in ClinVar:

NM_000243.3(MEFV):c.74A>G (p.Lys25Arg)

Gene: MEFV (MEFV innate immunity regulator, pyrin; minus strand). Cytogenetic location: 16p13.3.
Variant type: single nucleotide variant.
Coding change: c.74A>G on transcript NM_000243.3 (MANE Select); coding-DNA position 74, A replaced by G.
Protein change: p.Lys25Arg; replaces lysine 25 with arginine.
Molecular consequence: missense variant.
Genome position (GRCh38, 1-based): chr16:3,256,514, T>C on the plus strand (A>G on the coding strand, the complement: MEFV is on the minus strand). VCF-style: chr16-3256514-T-C. GRCh37 (hg19) VCF-style: chr16-3306514-T-C.
Other names: c.74A>G, p.Lys25Arg (NM_001198536.2); short protein forms K25R.
Identifiers: ClinVar variation 2173926 (VCV002173926.2), dbSNP rs924530771, ClinGen allele CA276904550.

ClinVar aggregate classification (germline): Uncertain significance (1 of 4 stars; one submission).

Conditions:
Familial Mediterranean fever (FMF). Also called: POLYSEROSITIS, FAMILIAL PAROXYSMAL; POLYSEROSITIS, RECURRENT; Periodic peritonitis; Benign paroxysmal peritonitis. Identifiers: Orphanet 342, MedGen C0031069, MONDO:0018088, OMIM 249100. Disease mechanism: gain of function.

gnomAD v4.1: 7 of 1,614,190 alleles (0.00043%); highest among the groups gnomAD compares: Admixed American, 0.0033%; no homozygotes.

Submission:

Labcorp Genetics (formerly Invitae), Labcorp
Classification: Uncertain significance for Familial Mediterranean fever. Last evaluated: 2022-04-24. Review status: criteria provided, single submitter. Criteria: Invitae Variant Classification Sherloc (09022015). Collection method: clinical testing. Allele origin: germline.
Comment: This sequence change replaces lysine, which is basic and polar, with arginine, which is basic and polar, at codon 25 of the MEFV protein (p.Lys25Arg). This variant is not present in population databases (gnomAD no frequency). This variant has not been reported in the literature in individuals affected with MEFV-related conditions. Algorithms developed to predict the effect of missense changes on protein structure and function are either unavailable or do not agree on the potential impact of this missense change (SIFT: "Deleterious"; PolyPhen-2: "Probably Damaging"; Align-GVGD: "Class C0"). In summary, the available evidence is currently insufficient to determine the role of this variant in disease. Therefore, it has been classified as a Variant of Uncertain Significance.